The following is an entry in ClinVar:

NM_002755.4(MAP2K1):c.568+14001A>G

Gene: MAP2K1 (mitogen-activated protein kinase kinase 1; plus strand). Cytogenetic location: 15q22.31.
Variant type: single nucleotide variant.
Coding change: c.568+14001A>G on transcript NM_002755.4 (MANE Select); 14001 bases into the intron after coding-DNA position 568, A replaced by G.
Molecular consequence: intron variant.
Genome position (GRCh38, 1-based): chr15:66,458,708, A>G. VCF-style: chr15-66458708-A-G. GRCh37 (hg19) VCF-style: chr15-66751046-A-G.
Other names: c.424+14001A>G (NM_001411065.1).
Identifiers: ClinVar variation 2645470 (VCV002645470.24), dbSNP rs1254991718, ClinGen allele CA2695197292.

ClinVar aggregate classification (germline): Uncertain significance (1 of 4 stars; one submission).

Submission:

CeGaT Center for Human Genetics Tuebingen
Classification: Uncertain significance. Last evaluated: 2023-09-01. Review status: criteria provided, single submitter. Criteria: CeGaT Center For Human Genetics Tuebingen Variant Classification Criteria Version 2. Collection method: clinical testing. Allele origin: germline. Affected: yes. Observed: 1 variant allele.
Comment: MAP2K1: PM2, PP2, BP4